The following is an entry in ClinVar:

ClinVar aggregate classification (germline): Likely benign. Review status: criteria provided, multiple submitters, no conflicts (2 of 4 stars). 2 submissions from 2 submitters: Likely benign (2). Last evaluated 2025-03-30.

Allele frequency attached by ClinVar (database versions not stated): gnomAD exomes 0.00007; TOPMed 0.00008; gnomAD 0.00009; ExAC 0.00044.
gnomAD v4.1: 122 of 1,569,934 alleles (0.0078%); highest among the groups gnomAD compares: South Asian, 0.01%; no homozygotes.

Submissions (4):

Mayo Clinic Laboratories, Mayo Clinic
Classification: Likely benign. Last evaluated: 2025-03-30. Review status: criteria provided, single submitter. Criteria: ACMG Guidelines, 2015. Collection method: clinical testing. Allele origin: germline. Observed: 1 variant allele.
Comment: BS1, BP4_moderate

Labcorp Genetics (formerly Invitae), Labcorp
Classification: Likely benign. Last evaluated: 2022-05-08. Review status: criteria provided, single submitter. Criteria: Invitae Variant Classification Sherloc (09022015). Collection method: clinical testing. Allele origin: germline.

Dr. Peter K. Rogan Lab, Western University
No classification provided (evidence only). Condition: Lung cancer. Review status: no classification provided. Collection method: in vitro. Allele origin: not applicable. Functional consequence: retained intron. Not counted in ClinVar's aggregate classification.

Dr. Peter K. Rogan Lab, Western University
No classification provided (evidence only). Condition: Nonpapillary renal cell carcinoma. Review status: no classification provided. Collection method: in vitro. Allele origin: not applicable. Functional consequence: retained intron. Not counted in ClinVar's aggregate classification.

NM_005560.6(LAMA5):c.2995C>T (p.Arg999Cys)

Gene: LAMA5 (laminin subunit alpha 5; minus strand). Cytogenetic location: 20q13.33.
Variant type: single nucleotide variant.
Coding change: c.2995C>T on transcript NM_005560.6 (MANE Select); coding-DNA position 2995, C replaced by T.
Protein change: p.Arg999Cys; replaces arginine 999 with cysteine.
Molecular consequence: missense variant.
Genome position (GRCh38, 1-based): chr20:62,333,590, G>A on the plus strand (C>T on the coding strand, the complement: LAMA5 is on the minus strand). VCF-style: chr20-62333590-G-A. GRCh37 (hg19) VCF-style: chr20-60908646-G-A.
Other names: p.Arg999Cys; short protein forms R999C.
Identifiers: ClinVar variation 2170840 (VCV002170840.6), dbSNP rs775980705, ClinGen allele CA9943241.